The following continues an entry in ClinVar:

NM_000540.3(RYR1):c.6721C>T (p.Arg2241Ter)

Gene: RYR1. ClinVar aggregate classification (germline): Conflicting classifications of pathogenicity. Pathogenic (21); Likely pathogenic (1); Uncertain significance (1).

Submissions 12 to 29 of 29:

AiLife Diagnostics
Classification: Pathogenic. Last evaluated: 2021-05-26. Review status: criteria provided, single submitter. Criteria: ACMG Guidelines, 2015. Collection method: clinical testing. Allele origin: germline. Affected: yes. Observed: 1 variant allele.

Genetics and Molecular Pathology, SA Pathology
Classification: Pathogenic for Malignant hyperthermia, susceptibility to, 1. Last evaluated: 2020-04-02. Review status: criteria provided, single submitter. Criteria: ACMG Guidelines, 2015. Collection method: clinical testing. Allele origin: germline. Affected: yes.
Comment: PVS1, PM2, PS4 - supporting

Beijing Key Laboratry for Genetics of Birth Defects, Beijing Children's Hospital
Classification: Likely pathogenic for Central core myopathy. Last evaluated: 2020-02-28. Review status: criteria provided, single submitter. Criteria: ACMG Guidelines, 2015. Collection method: clinical testing. Allele origin: germline. Affected: yes. Observed: 1 variant allele.

Center for Reproductive Medicine, Peking University Third Hospital
Classification: Pathogenic for Hydrops fetalis. Last evaluated: 2019-10-16. Review status: criteria provided, single submitter. Criteria: ACMG Guidelines, 2015. Collection method: clinical testing. Allele origin: germline. Affected: yes.

Laboratory for Molecular Medicine, Mass General Brigham Personalized Medicine
Classification: Pathogenic for Neuromuscular disease; Central core myopathy. Last evaluated: 2019-05-08. Review status: criteria provided, single submitter. Criteria: LMM Criteria. Collection method: clinical testing. Allele origin: germline. Inheritance: Autosomal recessive inheritance. Observed: 3 variant alleles.
Comment: The p.Arg2241X variant in RYR1 has been reported in at least 6 individuals with myopathy in the compound heterozygous state (Illingworth 2014, Zhou 2010, Klein 2012, Todd 2018) and in several homozygous affected members of one family with foetal akinesia deformation sequence/lethal multiple pterygium syndrome (McKie 2014). This nonsense variant leads to a premature termination codon at position 2241, which is predicted to lead to a truncated or absent protein. This variant has also been reported in ClinVar (Variation ID 159856). This variant was also identified in 23/10348 of Ashkenazi Jewish and in 18/128888 of European chromosomes by gnomAD. However, this frequency is low enough to be consistent with a recessive carrier frequency. In vitro functional studies provide further evidence that this variant causes nonsense mediated RNA decay (Zhou 2010). Loss of function in the RYR1 gene is associated with myopathies including central core disease, multi-minicore disease, centronuclear myopathy, and congenital fiber type disproportion. In summary, this variant meets criteria to be classified as pathogenic for autosomal recessive RYR1-related myopathy. ACMG/AMP Criteria applied: PVS1, PM3_Very strong, PP1_moderate.

Center for Pediatric Genomic Medicine, Children's Mercy Hospital and Clinics
Classification: Pathogenic. Last evaluated: 2017-05-19. Review status: criteria provided, single submitter. Criteria: ACMG Guidelines, 2015. Collection method: clinical testing. Allele origin: germline.

PreventionGenetics, part of Exact Sciences
Classification: Pathogenic. Last evaluated: 2016-06-01. Review status: criteria provided, single submitter. Criteria: ACMG Guidelines, 2015. Collection method: clinical testing. Allele origin: germline.

Eurofins Ntd Llc (ga)
Classification: Pathogenic. Last evaluated: 2015-02-19. Review status: criteria provided, single submitter. Criteria: EGL Classification Definitions 2015. Collection method: clinical testing. Allele origin: germline. Observed: 1 variant allele, 1 heterozygote.

Baylor Genetics
Classification: Pathogenic for Minicore myopathy with external ophthalmoplegia. Last evaluated: 2013-12-23. Review status: criteria provided, single submitter. Criteria: Yang et al. 2013. Collection method: clinical testing. Allele origin: maternal. Inheritance: Autosomal recessive inheritance. Affected: yes. Observed: 1 variant allele, 1 compound heterozygote. Study: Adult_WES.

Genetic Services Laboratory, University of Chicago
Classification: Pathogenic. Last evaluated: 2013-11-05. Review status: criteria provided, single submitter. Criteria: ACMG Guidelines, 2007. Collection method: clinical testing. Allele origin: germline. Inheritance: Autosomal unknown. Affected: yes.

Biesecker Lab/Clinical Genomics Section, National Institutes of Health
Classification: Pathogenic for Malignant hyperthermia, susceptibility to, 1. Last evaluated: 2013-07-01. Review status: criteria provided, single submitter. Criteria: Gonsalves et al. 2013. Collection method: research. Allele origin: unknown. Observed: 2 variant alleles. Study: ClinSeq.
Comment: The study set was not selected for affection status in relation to any myopathy. Pathogenicity categories were based on literature curation. See Pubmed ID: 24195946 for details.

Rady Children's Institute for Genomic Medicine, Rady Children's Hospital San Diego
Classification: Pathogenic for RYR1-Related Disorders. Review status: criteria provided, single submitter. Criteria: ACMG Guidelines, 2015. Collection method: clinical testing. Allele origin: germline. Affected: yes.
Comment: This nonsense variant found in exon 41 of 106 is predicted to result in loss of normal protein function through either protein truncation or nonsense-mediated mRNA decay (NMD). This variant has been previously reported as a compound heterozygous and homozygous change in patients with multi-minicore disease and fetal akinesia deformation sequence syndrome (PMID: 20080402, 34539730, 24951453, 25476234). The c.6721C>T (p.Arg2241Ter) variant is present in the heterozygous state in the gnomAD population database at a frequency of 0.015% (43/282472) and is absent in the homozygous state, thus it is presumed to be rare. Based on the available evidence, the c.6721C>T (p.Arg2241Ter) variant is classified as Pathogenic.

deCODE genetics, Amgen
Classification: Likely pathogenic for Malignant hyperthermia, susceptibility to, 1. Last evaluated: 2023-07-21. Review status: no assertion criteria provided. Collection method: research. Allele origin: germline. Affected: yes. Observed: 2 variant alleles. Not counted in ClinVar's aggregate classification.
Comment: The variant NM_000540.3:c.6721C>T (chr19:38496466) in RYR1 was detected in 2 heterozygotes out of 58K WGS Icelanders (MAF= 0,002%). This variant has been reported in ClinVar previously as pathogenic. Based on ACMG criteria (PVS1, PM2) this variant classifies as likely pathogenic.

OMIM
Classification: Pathogenic for CONGENITAL MYOPATHY 1B, AUTOSOMAL RECESSIVE. Last evaluated: 2014-12-05. Review status: no assertion criteria provided. Collection method: literature only. Allele origin: germline. Not counted in ClinVar's aggregate classification.

Genome Diagnostics Laboratory, Amsterdam University Medical Center
Classification: Pathogenic. Review status: no assertion criteria provided. Collection method: clinical testing. Allele origin: germline. Affected: yes. Study: VKGL Data-share Consensus. Not counted in ClinVar's aggregate classification.

Joint Genome Diagnostic Labs from Nijmegen and Maastricht, Radboudumc and MUMC+
Classification: Pathogenic. Review status: no assertion criteria provided. Collection method: clinical testing. Allele origin: germline. Affected: yes. Study: VKGL Data-share Consensus. Not counted in ClinVar's aggregate classification.

All of Us Research Program, National Institutes of Health
Classification: Uncertain significance for Malignant hyperthermia, susceptibility to, 1. Last evaluated: 2024-09-11. Review status: flagged submission. Criteria: ACMG Guidelines, 2015. Collection method: clinical testing. Allele origin: germline. Inheritance: Autosomal dominant inheritance. Observed: 80 variant alleles, 80 heterozygotes. Not counted in ClinVar's aggregate classification.
Comment: This variant changes 1 nucleotide in exon 41 of the RYR1 gene, creating a premature translation stop signal. This variant is expected to result in an absent or non-functional protein product. This variant has not been reported in individuals affected with autosomal dominant malignant hyperthermia in the literature, although it is associated with other phenotype(s) (ClinVar variation ID: 159856). This variant has been identified in 43/282472 chromosomes in the general population by the Genome Aggregation Database (gnomAD). Loss of RYR1 function due to truncation variants is not an established disease mechanism for autosomal dominant malignant hyperthermia, although it is associated with other phenotype(s). Due to insufficient evidence, this variant is classified as a Variant of Uncertain Significance for autosomal dominant malignant hyperthermia.

This study involves interpretation of variants in research participants for the purpose of population health screening. Participant phenotype was not available at the time of variant classification. Additional details can be found in publication PMID: 35346344, PMCID: PMC8962531
ClinVar note: Reason: Outlier claim with insufficient supporting evidence

CSER _CC_NCGL, University of Washington
Classification: Likely benign for Multi-minicore disease & atypical periodic paralysis. Last evaluated: 2014-06-01. Review status: flagged submission. Collection method: research. Allele origin: germline. Inheritance: Autosomal dominant inheritance. Study: ESP 6500 variant annotation. Not counted in ClinVar's aggregate classification.
Comment: Variants classified for the Actionable exomic incidental findings in 6503 participants: challenges of variant classification manuscript
ClinVar note: Reason: Older and outlier claim with insufficient supporting evidence

Literature cited by the submitters: PubMed 23919265 (cited by Labcorp Genetics (formerly Invitae), Labcorp and Eurofins Ntd Llc (ga)); PubMed 25960145 (cited by Labcorp Genetics (formerly Invitae), Labcorp); PubMed 28818389 (cited by Labcorp Genetics (formerly Invitae), Labcorp); PubMed 30611313 (cited by 3 submitters); PubMed 20080402 (cited by 6 submitters); PubMed 22473935 (cited by 5 submitters); PubMed 23553787 (cited by 3 submitters); PubMed 24195946 (cited by 3 submitters); PubMed 24951453 (cited by 5 submitters); PubMed 26578207 (cited by Variantyx, Inc.); PubMed 25476234 (cited by 5 submitters); PubMed 25637381 (cited by AiLife Diagnostics); PubMed 30609409 (cited by AiLife Diagnostics); PubMed 31680349 (cited by AiLife Diagnostics and Center for Reproductive Medicine, Peking University Third Hospital); PubMed 33333461 (cited by AiLife Diagnostics); PubMed 26332594 (cited by AiLife Diagnostics); PubMed 27854218 (cited by AiLife Diagnostics); PubMed 25525159 (cited by AiLife Diagnostics); PubMed 17033962 (cited by Center for Reproductive Medicine, Peking University Third Hospital); PubMed 26633545 (cited by Baylor Genetics); PubMed 21911697 (cited by Baylor Genetics).